The following is an entry in ClinVar:

ClinVar aggregate classification (germline): Uncertain significance. Review status: criteria provided, multiple submitters, no conflicts (2 of 4 stars). 2 submissions from 2 submitters: Uncertain significance (2). Last evaluated 2025-10-06.

Conditions:
Inborn genetic diseases. Identifiers: MedGen C0950123, MeSH D030342.

Allele frequency attached by ClinVar (database versions not stated): TOPMed below 0.00001; gnomAD 0.00001; gnomAD exomes 0.00001; ExAC 0.00004.
gnomAD v4.1: 17 of 1,613,768 alleles (0.0011%); highest among the groups gnomAD compares: Middle Eastern, 0.017%; no homozygotes.

Submissions (2):

Labcorp Genetics (formerly Invitae), Labcorp
Classification: Uncertain significance. Last evaluated: 2025-10-06. Review status: criteria provided, single submitter. Criteria: Invitae Variant Classification Sherloc (09022015). Collection method: clinical testing. Allele origin: germline.
Comment: This sequence change replaces isoleucine, which is neutral and non-polar, with methionine, which is neutral and non-polar, at codon 608 of the COL4A2 protein (p.Ile608Met). This variant is present in population databases (rs778640424, gnomAD 0.006%). This variant has not been reported in the literature in individuals affected with COL4A2-related conditions. ClinVar contains an entry for this variant (Variation ID: 1932610). Invitae Evidence Modeling of protein sequence and biophysical properties (such as structural, functional, and spatial information, amino acid conservation, physicochemical variation, residue mobility, and thermodynamic stability) indicates that this missense variant is not expected to disrupt COL4A2 protein function with a negative predictive value of 95%. In summary, the available evidence is currently insufficient to determine the role of this variant in disease. Therefore, it has been classified as a Variant of Uncertain Significance.

Ambry Genetics
Classification: Uncertain significance for Inborn genetic diseases. Last evaluated: 2024-02-06. Review status: criteria provided, single submitter. Criteria: Ambry Variant Classification Scheme 2023. Collection method: clinical testing. Allele origin: germline.

NM_001846.4(COL4A2):c.1824A>G (p.Ile608Met)

Gene: COL4A2 (collagen type IV alpha 2 chain; plus strand). Cytogenetic location: 13q34.
Variant type: single nucleotide variant.
Coding change: c.1824A>G on transcript NM_001846.4 (MANE Select); coding-DNA position 1824, A replaced by G.
Protein change: p.Ile608Met; replaces isoleucine 608 with methionine.
Molecular consequence: missense variant.
Genome position (GRCh38, 1-based): chr13:110,465,452, A>G. VCF-style: chr13-110465452-A-G. GRCh37 (hg19) VCF-style: chr13-111117799-A-G.
Other names: c.1824A>G (NM_001846.2); short protein forms I608M.
Identifiers: ClinVar variation 1932610 (VCV001932610.6), dbSNP rs778640424, ClinGen allele CA7049726.
Genomic context (GRCh38, chr13:110,465,452, plus strand): 5'-AATTTTCACACAGGGTGATGGCATCAAGGGCCCTCCAGGGGACCCAGGCTATCCAGGAAT[A>G]CCTGGAACGAAGGGTACTCCAGGAGAAATGGGCCCCCCAGGACTGGGCCTTCCCGGCCTC-3'
Protein context (NP_001837.2, residues 598-618): GPPGDPGYPG[Ile608Met]PGTKGTPGEM